The following is an entry in ClinVar:

ClinVar aggregate classification (germline): Benign. Review status: criteria provided, multiple submitters, no conflicts (2 of 4 stars). 2 submissions from 2 submitters: Benign (2). Last evaluated 2018-06-14.

Allele frequency attached by ClinVar (database versions not stated): 1000 Genomes Project 0.27676; 1000 Genomes Project 30x 0.27873; gnomAD 0.27997; TOPMed 0.28790.
gnomAD v4.1: 43,630 of 152,112 alleles (29%); highest among the groups gnomAD compares: Middle Eastern, 38%; 6,556 homozygotes.

Submissions (2):

GeneDx
Classification: Benign. Last evaluated: 2018-06-14. Review status: criteria provided, single submitter. Criteria: GeneDx Variant Classification (06012015). Collection method: clinical testing. Allele origin: germline. Affected: yes.
Comment: This variant is considered likely benign or benign based on one or more of the following criteria: it is a conservative change, it occurs at a poorly conserved position in the protein, it is predicted to be benign by multiple in silico algorithms, and/or has population frequency not consistent with disease.

Breakthrough Genomics
Classification: Benign. Review status: criteria provided, single submitter. Criteria: ACMG Guidelines, 2015. Collection method: not provided. Allele origin: germline. Inheritance: Autosomal dominant inheritance. Affected: yes.

NM_000256.3(MYBPC3):c.293-211C>G

Gene: MYBPC3 (myosin binding protein C3; minus strand). Cytogenetic location: 11p11.2.
Variant type: single nucleotide variant.
Coding change: c.293-211C>G on transcript NM_000256.3 (MANE Select); 211 bases into the intron before coding-DNA position 293, C replaced by G.
Molecular consequence: intron variant.
Genome position (GRCh38, 1-based): chr11:47,350,826, G>C on the plus strand (C>G on the coding strand, the complement: MYBPC3 is on the minus strand). VCF-style: chr11-47350826-G-C. GRCh37 (hg19) VCF-style: chr11-47372377-G-C.
Identifiers: ClinVar variation 671920 (VCV000671920.2), dbSNP rs2071304, ClinGen allele CA13381733.